The following is an entry in ClinVar:

NM_018429.3(BDP1):c.6610G>T (p.Val2204Phe)

Gene: BDP1 (BDP1 general transcription factor IIIB subunit; plus strand). Cytogenetic location: 5q13.2.
Variant type: single nucleotide variant.
Coding change: c.6610G>T on transcript NM_018429.3 (MANE Select); coding-DNA position 6610, G replaced by T.
Protein change: p.Val2204Phe; replaces valine 2204 with phenylalanine.
Molecular consequence: missense variant.
Genome position (GRCh38, 1-based): chr5:71,545,085, G>T. VCF-style: chr5-71545085-G-T. GRCh37 (hg19) VCF-style: chr5-70840912-G-T.
Other names: NC_000005.9:g.70840912G>T; short protein forms V2204F.
Identifiers: ClinVar variation 1317500 (VCV001317500.7), dbSNP rs112823079, ClinGen allele CA3297282.
Genomic context (GRCh38, chr5:71,545,085, plus strand): 5'-AAACTCTCTTTCAGAAACGAAAATCAAGAAGAGAGCTCTCAGGAGGTTCACATGTTGTCA[G>T]TTGCTCCAGTTGCTTCCTCTGAGACAGGGCCCTGCACACTTGGTTTGGATAGGGGTCTTG-3'
Protein context (NP_060899.2, residues 2194-2214): ESSQEVHMLS[Val2204Phe]APVASSETGP

ClinVar aggregate classification (germline): Conflicting classifications of pathogenicity. Review status: criteria provided, conflicting classifications (1 of 4 stars). 6 submissions from 6 submitters: Uncertain significance (2); Likely benign (4). Last evaluated 2025-09-18.

Conditions:
BDP1-related disorder. Also called: BDP1-related condition.
Waardenburg syndrome. Also called: Waardenburg's syndrome. Identifiers: Orphanet 3440, MedGen C3266898, MONDO:0018094.

Allele frequency attached by ClinVar (database versions not stated): ExAC 0.00012; gnomAD exomes 0.00012; 1000 Genomes Project 30x 0.00016; ESP Exome Variant Server 0.00017; 1000 Genomes Project 0.00020; gnomAD 0.00044 and 0.00048; TOPMed 0.00053.
gnomAD v4.1: 175 of 1,613,640 alleles (0.011%); highest among the groups gnomAD compares: African/African-American, 0.19%; 2 homozygotes.

Submissions (7):

PreventionGenetics, part of Exact Sciences
Classification: Likely benign for BDP1-related condition. Last evaluated: 2025-09-18. Review status: criteria provided, single submitter. Criteria: ACMG Guidelines, 2015. Collection method: clinical testing. Allele origin: germline.
Comment: This variant is classified as likely benign based on ACMG/AMP sequence variant interpretation guidelines (Richards et al. 2015 PMID: 25741868, with internal and published modifications).

Center for Statistical Genetics, Columbia University
Classification: Uncertain significance for Waardenburg syndrome. Last evaluated: 2024-11-08. Review status: criteria provided, single submitter. Criteria: ACMG Guidelines, 2015. Collection method: research. Allele origin: germline. Inheritance: Autosomal recessive inheritance. Affected: yes. Observed: 2 homozygotes.

Ambry Genetics
Classification: Uncertain significance. Last evaluated: 2023-12-20. Review status: criteria provided, single submitter. Criteria: Ambry Variant Classification Scheme 2023. Collection method: clinical testing. Allele origin: germline.

Blueprint Genetics
Classification: Likely benign. Last evaluated: 2022-11-28. Review status: criteria provided, single submitter. Criteria: ACMG Guidelines, 2015. Collection method: clinical testing. Allele origin: germline.

GeneDx
Classification: Likely benign. Last evaluated: 2021-05-27. Review status: criteria provided, single submitter. Criteria: GeneDx Variant Classification Process June 2021. Collection method: clinical testing. Allele origin: germline. Affected: yes.

Breakthrough Genomics
Classification: Likely benign. Review status: criteria provided, single submitter. Criteria: ACMG Guidelines, 2015. Collection method: not provided. Allele origin: germline. Inheritance: Autosomal recessive inheritance. Affected: yes.

Dr. Peter K. Rogan Lab, Western University
No classification provided (evidence only). Condition: Acute myeloid leukemia. Review status: no classification provided. Collection method: in vitro. Allele origin: not applicable. Functional consequence: retained intron. Not counted in ClinVar's aggregate classification.